The following is an entry in ClinVar:

ClinVar aggregate classification (germline): Benign/Likely benign. Review status: criteria provided, multiple submitters, no conflicts (2 of 4 stars). 5 submissions from 5 submitters: Benign (1); Likely benign (2). 2 of the submissions do not count toward it. Last evaluated 2024-10-18.

Conditions:
NTRK1-related disorder. Also called: NTRK1-related condition.
Hereditary insensitivity to pain with anhidrosis (CIPA). Also called: HSAN Type IV; hereditary sensory and autonomic neuropathy type 4; FAMILIAL DYSAUTONOMIA, TYPE II; NEUROPATHY, CONGENITAL SENSORY, WITH ANHIDROSIS; INSENSITIVITY TO PAIN, CONGENITAL, WITH ANHIDROSIS; NTRK1 Congenital Insensitivity to Pain with Anhidrosis. Identifiers: Orphanet 642, MedGen C0020074, MONDO:0009746, OMIM 256800.

Allele frequency attached by ClinVar (database versions not stated): gnomAD 0.00028 and 0.00065; TOPMed 0.00037; gnomAD exomes 0.00115 and 0.00220; 1000 Genomes Project 0.00180; 1000 Genomes Project 30x 0.00203; ExAC 0.00314.
gnomAD v4.1: 1,768 of 1,599,962 alleles (0.11%); highest among the groups gnomAD compares: South Asian, 1.5%; 21 homozygotes.

Submissions (5):

Blueprint Genetics
Classification: Likely benign. Last evaluated: 2024-10-18. Review status: criteria provided, single submitter. Criteria: ACMG Guidelines, 2015. Collection method: clinical testing. Allele origin: germline.

Mayo Clinic Laboratories, Mayo Clinic
Classification: Benign. Last evaluated: 2023-02-06. Review status: criteria provided, single submitter. Criteria: ACMG Guidelines, 2015. Collection method: clinical testing. Allele origin: germline. Observed: 1 variant allele.
Comment: BS1, BS2, BP4, BP7

GeneDx
Classification: Likely benign. Last evaluated: 2019-01-06. Review status: criteria provided, single submitter. Criteria: GeneDx Variant Classification Process June 2021. Collection method: clinical testing. Allele origin: germline. Affected: yes.

Natera, Inc.
Classification: Benign for Hereditary insensitivity to pain with anhidrosis. Last evaluated: 2019-10-22. Review status: no assertion criteria provided. Collection method: clinical testing. Allele origin: germline. Not counted in ClinVar's aggregate classification.

PreventionGenetics, part of Exact Sciences
Classification: Benign for NTRK1-related condition. Last evaluated: 2019-08-06. Review status: no assertion criteria provided. Collection method: clinical testing. Allele origin: germline. Not counted in ClinVar's aggregate classification.
Comment: This variant is classified as benign based on ACMG/AMP sequence variant interpretation guidelines (Richards et al. 2015 PMID: 25741868, with internal and published modifications).

NM_002529.4(NTRK1):c.851-30C>A

Gene: NTRK1 (neurotrophic receptor tyrosine kinase 1; plus strand). Cytogenetic location: 1q23.1.
Variant type: single nucleotide variant.
Coding change: c.851-30C>A on transcript NM_002529.4 (MANE Select); 30 bases into the intron before coding-DNA position 851, C replaced by A.
Molecular consequence: intron variant.
Genome position (GRCh38, 1-based): chr1:156,873,603, C>A. VCF-style: chr1-156873603-C-A. GRCh37 (hg19) VCF-style: chr1-156843395-C-A.
Other names: p.?; c.851-30C>A (NM_002529.3, NM_001012331.2, NM_001012331.1); c.761-30C>A (NM_001007792.1).
Identifiers: ClinVar variation 1188547 (VCV001188547.7), dbSNP rs552893549, ClinGen allele CA1169128.